The following is an entry in ClinVar:

ClinVar aggregate classification (germline): Uncertain significance (1 of 4 stars; one submission).

gnomAD v4.1: 1 of 1,614,212 alleles (0.000062%); highest among the groups gnomAD compares: Non-Finnish European, 0.000085%; no homozygotes.

Submission:

Labcorp Genetics (formerly Invitae), Labcorp
Classification: Uncertain significance. Last evaluated: 2022-02-18. Review status: criteria provided, single submitter. Criteria: Invitae Variant Classification Sherloc (09022015). Collection method: clinical testing. Allele origin: germline.
Comment: This sequence change replaces histidine, which is basic and polar, with proline, which is neutral and non-polar, at codon 442 of the NARS2 protein (p.His442Pro). This variant is present in population databases (rs771416192, gnomAD 0.0009%). This variant has not been reported in the literature in individuals affected with NARS2-related conditions. Algorithms developed to predict the effect of missense changes on protein structure and function are either unavailable or do not agree on the potential impact of this missense change (SIFT: "Tolerated"; PolyPhen-2: "Probably Damaging"; Align-GVGD: "Class C0"). In summary, the available evidence is currently insufficient to determine the role of this variant in disease. Therefore, it has been classified as a Variant of Uncertain Significance.

NM_024678.6(NARS2):c.1325A>C (p.His442Pro)

Gene: NARS2 (asparaginyl-tRNA synthetase 2, mitochondrial; minus strand). Cytogenetic location: 11q14.1.
Variant type: single nucleotide variant.
Coding change: c.1325A>C on transcript NM_024678.6 (MANE Select); coding-DNA position 1325, A replaced by C.
Protein change: p.His442Pro; replaces histidine 442 with proline.
Molecular consequence: missense variant.
Genome position (GRCh38, 1-based): chr11:78,436,779, T>G on the plus strand (A>C on the coding strand, the complement: NARS2 is on the minus strand). VCF-style: chr11-78436779-T-G. GRCh37 (hg19) VCF-style: chr11-78147825-T-G.
Other names: c.644A>C, p.His215Pro (NM_001243251.2); short protein forms H215P, H442P.
Identifiers: ClinVar variation 1946313 (VCV001946313.5), dbSNP rs771416192, ClinGen allele CA6205484.